The following is an entry in ClinVar:

ClinVar aggregate classification (germline): Uncertain significance (1 of 4 stars; one submission).

Conditions:
Autoimmune interstitial lung disease-arthritis syndrome. Also called: Autoinflammation and autoimmunity, systemic, with immune dysregulation. Identifiers: Orphanet 444092, MedGen C5975714, MONDO:0014629.

Allele frequency attached by ClinVar (database versions not stated): gnomAD exomes below 0.00001.
gnomAD v4.1: 3 of 1,614,004 alleles (0.00019%); highest among the groups gnomAD compares: Non-Finnish European, 0.00025%; no homozygotes.

Submission:

Labcorp Genetics (formerly Invitae), Labcorp
Classification: Uncertain significance for Autoimmune interstitial lung disease-arthritis syndrome. Last evaluated: 2022-07-19. Review status: criteria provided, single submitter. Criteria: Invitae Variant Classification Sherloc (09022015). Collection method: clinical testing. Allele origin: germline.
Comment: This variant has not been reported in the literature in individuals affected with COPA-related conditions. This variant is not present in population databases (gnomAD no frequency). ClinVar contains an entry for this variant (Variation ID: 1481887). In summary, the available evidence is currently insufficient to determine the role of this variant in disease. Therefore, it has been classified as a Variant of Uncertain Significance. Algorithms developed to predict the effect of missense changes on protein structure and function are either unavailable or do not agree on the potential impact of this missense change (SIFT: "Tolerated"; PolyPhen-2: "Possibly Damaging"; Align-GVGD: "Class C0"). This sequence change replaces leucine, which is neutral and non-polar, with proline, which is neutral and non-polar, at codon 973 of the COPA protein (p.Leu973Pro).

NM_004371.4(COPA):c.2918T>C (p.Leu973Pro)

Gene: COPA (coat protein complex I subunit alpha; minus strand). Cytogenetic location: 1q23.2.
Variant type: single nucleotide variant.
Coding change: c.2918T>C on transcript NM_004371.4 (MANE Select); coding-DNA position 2918, T replaced by C.
Protein change: p.Leu973Pro; replaces leucine 973 with proline.
Molecular consequence: missense variant.
Genome position (GRCh38, 1-based): chr1:160,292,526, A>G on the plus strand (T>C on the coding strand, the complement: COPA is on the minus strand). VCF-style: chr1-160292526-A-G. GRCh37 (hg19) VCF-style: chr1-160262316-A-G.
Other names: c.2945T>C, p.Leu982Pro (NM_001098398.2); short protein forms L973P, L982P.
Identifiers: ClinVar variation 1481887 (VCV001481887.8), dbSNP rs2101821475, ClinGen allele CA343272864.